The following is an entry in ClinVar:

NM_014727.3(KMT2B):c.2452A>G (p.Met818Val)

Gene: KMT2B (lysine methyltransferase 2B; plus strand). Cytogenetic location: 19q13.12.
Variant type: single nucleotide variant.
Coding change: c.2452A>G on transcript NM_014727.3 (MANE Select); coding-DNA position 2452, A replaced by G.
Protein change: p.Met818Val; replaces methionine 818 with valine.
Molecular consequence: missense variant.
Genome position (GRCh38, 1-based): chr19:35,721,799, A>G. VCF-style: chr19-35721799-A-G. GRCh37 (hg19) VCF-style: chr19-36212701-A-G.
Other names: short protein forms M818V.
Identifiers: ClinVar variation 1355870 (VCV001355870.8), dbSNP rs372287616, ClinGen allele CA9384436.

ClinVar aggregate classification (germline): Conflicting classifications of pathogenicity. Review status: criteria provided, conflicting classifications (1 of 4 stars). 2 submissions from 2 submitters: Uncertain significance (1); Likely benign (1). Last evaluated 2026-06-01.

Allele frequency attached by ClinVar (database versions not stated): ESP Exome Variant Server 0.00008.
gnomAD v4.1: 36 of 1,584,026 alleles (0.0023%); highest among the groups gnomAD compares: Middle Eastern, 0.017%; no homozygotes.

Submissions (2):

CeGaT Center for Human Genetics Tuebingen
Classification: Uncertain significance. Last evaluated: 2026-06-01. Review status: criteria provided, single submitter. Criteria: CeGaT Center For Human Genetics Tuebingen Variant Classification Criteria Version 2. Collection method: clinical testing. Allele origin: germline. Affected: yes. Observed: 1 variant allele.
Comment: KMT2B: PM2, BP4

Labcorp Genetics (formerly Invitae), Labcorp
Classification: Likely benign. Last evaluated: 2025-07-28. Review status: criteria provided, single submitter. Criteria: Invitae Variant Classification Sherloc (09022015). Collection method: clinical testing. Allele origin: germline.